The following is an entry in ClinVar:

ClinVar aggregate classification (germline): Uncertain significance (1 of 4 stars; one submission).

Conditions:
Leigh syndrome (NULS). Also called: Leigh's necrotizing encephalopathy; Leigh's disease; Leigh Syndrome (mtDNA deletion); Leigh Disease; Subacute necrotizing encephalopathy; Necrotizing encephalopathy infantile subacute of Leigh. Identifiers: Orphanet 506, MedGen C2931891, MONDO:0009723, OMIM 256000.

gnomAD v4.1: 1 of 1,614,234 alleles (0.000062%); highest among the groups gnomAD compares: Non-Finnish European, 0.000085%; no homozygotes.

Submission:

Labcorp Genetics (formerly Invitae), Labcorp
Classification: Uncertain significance for Leigh syndrome. Last evaluated: 2021-11-28. Review status: criteria provided, single submitter. Criteria: Invitae Variant Classification Sherloc (09022015). Collection method: clinical testing. Allele origin: germline.
Comment: In summary, the available evidence is currently insufficient to determine the role of this variant in disease. Therefore, it has been classified as a Variant of Uncertain Significance. Algorithms developed to predict the effect of missense changes on protein structure and function (SIFT, PolyPhen-2, Align-GVGD) all suggest that this variant is likely to be tolerated. This variant has not been reported in the literature in individuals affected with SURF1-related conditions. This variant is present in population databases (no rsID available, gnomAD 0.0009%). This sequence change replaces asparagine, which is neutral and polar, with lysine, which is basic and polar, at codon 249 of the SURF1 protein (p.Asn249Lys).

NM_003172.4(SURF1):c.747C>A (p.Asn249Lys)

Gene: SURF1 (SURF1 cytochrome c oxidase assembly factor; minus strand). Cytogenetic location: 9q34.2.
Variant type: single nucleotide variant.
Coding change: c.747C>A on transcript NM_003172.4 (MANE Select); coding-DNA position 747, C replaced by A.
Protein change: p.Asn249Lys; replaces asparagine 249 with lysine.
Molecular consequence: missense variant.
Genome position (GRCh38, 1-based): chr9:133,352,450, G>T on the plus strand (C>A on the coding strand, the complement: SURF1 is on the minus strand). VCF-style: chr9-133352450-G-T. GRCh37 (hg19) VCF-style: chr9-136219305-G-T.
Other names: c.420C>A, p.Asn140Lys (NM_001280787.1); short protein forms N249K, N140K.
Identifiers: ClinVar variation 1410598 (VCV001410598.6), dbSNP rs1208965322, ClinGen allele CA375693606.